The following is an entry in ClinVar:

ClinVar aggregate classification (germline): Uncertain significance (1 of 4 stars; one submission).

gnomAD v4.1: 1 of 1,614,220 alleles (0.000062%); highest among the groups gnomAD compares: Non-Finnish European, 0.000085%; no homozygotes.

Submission:

GeneDx
Classification: Uncertain significance. Last evaluated: 2016-12-12. Review status: criteria provided, single submitter. Criteria: GeneDx Variant Classification (06012015). Collection method: clinical testing. Allele origin: germline. Affected: yes.
Comment: A variant of uncertain significance has been identified in the ALMS1 gene. The C2743G variant has not been published as a pathogenic variant, nor has it been reported as a benign variant to our knowledge. This variant was not observed in approximately 5,900 individuals of European and African American ancestry in the NHLBI Exome Sequencing Project, indicating it is not a common benign variant in these populations. The C2743G variant is a non-conservative amino acid substitution, which is likely to impact secondary protein structure as these residues differ in polarity, charge, size and/or other properties. However, this substitution occurs at a position that is not conserved across species and in silico analysis is inconsistent in its predictions as to whether or not the variant is damaging to the protein structure/function.Therefore, based on the currently available information, it is unclear whether this variant is pathogenic or rare benign.

NM_001378454.1(ALMS1):c.8224T>G (p.Cys2742Gly)

Gene: ALMS1 (ALMS1 centrosome and basal body associated protein; plus strand). Cytogenetic location: 2p13.1.
Variant type: single nucleotide variant.
Coding change: c.8224T>G on transcript NM_001378454.1 (MANE Select); coding-DNA position 8224, T replaced by G.
Protein change: p.Cys2742Gly; replaces cysteine 2742 with glycine.
Molecular consequence: missense variant.
Genome position (GRCh38, 1-based): chr2:73,490,183, T>G. VCF-style: chr2-73490183-T-G. GRCh37 (hg19) VCF-style: chr2-73717310-T-G.
Other names: c.8227T>G, p.Cys2743Gly (NM_015120.4); short protein forms C2743G, C2742G.
Identifiers: ClinVar variation 373784 (VCV000373784.1), dbSNP rs774945791, ClinGen allele CA16042402.